The following is an entry in ClinVar:

NM_213599.3(ANO5):c.2237C>A (p.Ala746Asp)

Gene: ANO5 (anoctamin 5; plus strand). Cytogenetic location: 11p14.3.
Variant type: single nucleotide variant.
Coding change: c.2237C>A on transcript NM_213599.3 (MANE Select); coding-DNA position 2237, C replaced by A.
Protein change: p.Ala746Asp; replaces alanine 746 with aspartic acid.
Molecular consequence: missense variant.
Genome position (GRCh38, 1-based): chr11:22,274,570, C>A. VCF-style: chr11-22274570-C-A. GRCh37 (hg19) VCF-style: chr11-22296116-C-A.
Other names: c.2234C>A, p.Ala745Asp (NM_001142649.2); c.2237C>A (NM_213599.2); short protein forms A746D, A745D.
Identifiers: ClinVar variation 284577 (VCV000284577.53), dbSNP rs886042907, ClinGen allele CA10604844.

ClinVar aggregate classification (germline): Conflicting classifications of pathogenicity. Review status: criteria provided, conflicting classifications (1 of 4 stars). 5 submissions from 5 submitters: Pathogenic (1); Uncertain significance (4). Last evaluated 2026-01-01.

Conditions:
Autosomal recessive limb-girdle muscular dystrophy type 2L (LGMDR12). Also called: Limb-girdle muscular dystrophy, type 2L; MUSCULAR DYSTROPHY, LIMB-GIRDLE, AUTOSOMAL RECESSIVE 12; Limb-Girdle Muscular Dystrophy R12 Anoctamin-5-Related (LGMD-R12). Identifiers: Orphanet 206549, MedGen C1969785, MONDO:0012652, OMIM 611307.
Gnathodiaphyseal dysplasia (GDD). Also called: GNATHODIAPHYSEAL SCLEROSIS; OSTEOGENESIS IMPERFECTA WITH UNUSUAL SKELETAL LESIONS. Identifiers: Orphanet 53697, MedGen C1833736, MONDO:0008151, OMIM 166260.
Inborn genetic diseases. Identifiers: MedGen C0950123, MeSH D030342.

Allele frequency attached by ClinVar (database versions not stated): gnomAD 0.00001; TOPMed 0.00001.
gnomAD v4.1: 9 of 1,591,924 alleles (0.00057%); highest among the groups gnomAD compares: Non-Finnish European, 0.00077%; no homozygotes.

Submissions (5):

Labcorp Genetics (formerly Invitae), Labcorp
Classification: Pathogenic for Autosomal recessive limb-girdle muscular dystrophy type 2L; Gnathodiaphyseal dysplasia. Last evaluated: 2026-01-01. Review status: criteria provided, single submitter. Criteria: Invitae Variant Classification Sherloc (09022015). Collection method: clinical testing. Allele origin: germline.
Comment: This sequence change replaces alanine, which is neutral and non-polar, with aspartic acid, which is acidic and polar, at codon 746 of the ANO5 protein (p.Ala746Asp). This variant is not present in population databases (gnomAD no frequency). This missense change has been observed in individual(s) with autosomal recessive limb-girdle muscular dystrophy (internal data). In at least one individual the data is consistent with being in trans (on the opposite chromosome) from a pathogenic variant. ClinVar contains an entry for this variant (Variation ID: 284577). Invitae Evidence Modeling of protein sequence and biophysical properties (such as structural, functional, and spatial information, amino acid conservation, physicochemical variation, residue mobility, and thermodynamic stability) indicates that this missense variant is expected to disrupt ANO5 protein function with a positive predictive value of 95%. For these reasons, this variant has been classified as Pathogenic.

Revvity Omics, Revvity
Classification: Uncertain significance. Last evaluated: 2023-11-01. Review status: criteria provided, single submitter. Criteria: ACMG Guidelines, 2015. Collection method: clinical testing. Allele origin: germline.

Ambry Genetics
Classification: Uncertain significance for Inborn genetic diseases. Last evaluated: 2023-06-30. Review status: criteria provided, single submitter. Criteria: Ambry Variant Classification Scheme 2023. Collection method: clinical testing. Allele origin: germline.

CeGaT Center for Human Genetics Tuebingen
Classification: Uncertain significance. Last evaluated: 2020-02-01. Review status: criteria provided, single submitter. Criteria: CeGaT Center For Human Genetics Tuebingen Variant Classification Criteria Version 2. Collection method: clinical testing. Allele origin: germline. Affected: yes. Observed: 2 variant alleles.

Eurofins Ntd Llc (ga)
Classification: Uncertain significance. Last evaluated: 2015-12-01. Review status: criteria provided, single submitter. Criteria: EGL Classification Definitions 2015. Collection method: clinical testing. Allele origin: germline. Observed: 1 variant allele, 1 heterozygote.